The following is an entry in ClinVar:

ClinVar aggregate classification (germline): Likely pathogenic. Review status: reviewed by expert panel (3 of 4 stars). 12 submissions from 12 submitters: Likely pathogenic (1). 11 of the submissions do not count toward it. Last evaluated 2024-05-15.

Conditions:
Retinal dystrophy. Also called: Inherited retinal dystrophy. Identifiers: Orphanet 71862, MedGen C0854723, MeSH D058499, MONDO:0019118, HP:0000556.
USH2A-related disorder. Also called: USH2A-related disorders; USH2A-related condition. Identifiers: MedGen CN239332.
Usher syndrome type 2A. Also called: RETINAL DISEASE IN USHER SYNDROME TYPE IIA, MODIFIER OF; USHER SYNDROME, TYPE IIA. Identifiers: Orphanet 231178, Orphanet 886, MedGen C1848634, MONDO:0010169, OMIM 276901.
Retinitis pigmentosa 39 (RP39). Identifiers: Orphanet 791, MedGen C3151138, MONDO:0013436, OMIM 613809.
Retinitis pigmentosa (RP). Identifiers: Orphanet 791, MedGen C0035334, MeSH D012174, MONDO:0019200, OMIM 268000. Inheritance: Autosomal dominant, autosomal recessive and X linked inheritance.

Allele frequency attached by ClinVar (database versions not stated): gnomAD exomes 0.00001 and 0.00003; ExAC 0.00002.
gnomAD v4.1: 20 of 1,614,172 alleles (0.0012%); highest among the groups gnomAD compares: South Asian, 0.022%; no homozygotes.

Submissions (12):

ClinGen Hearing Loss Variant Curation Expert Panel
Classification: Likely pathogenic for Retinal dystrophy. Last evaluated: 2024-05-15. Review status: reviewed by expert panel. Criteria: Clingen Hl Acmg Specifications Cdh23 Coch Gjb2 Kcnq4 Myo6 Myo7a Slc26a4 Tecta Ush2a V2. Collection method: curation. Allele origin: germline. Inheritance: Autosomal recessive inheritance.
Comment: The c.12874A>G variant in USH2A is a missense variant predicted to cause substitution of asparagine by aspartic acid at amino acid 4292 (p.Asn4292Asp). The highest population frequency in gnomAD v4.1.0 is 0.02% (20/86258 alleles) in the South Asian population (PM2_Supporting, BS1, and BA1 are not met). The computational predictor REVEL gives a score of 0.707, which is above the threshold of 0.7, evidence that correlates with impact to USH2A function (PP3). This variant has been identified in at least 6 individuals with apparently isolated retinal dystrophy. One individual was homozygous, one was heterozygous for a second variant of uncertain significance, three had a second pathogenic variant with phase unknown, and one harbored a second pathogenic variant confirmed in trans (2 points, PM3_Strong, PMID: 28041643, 25133751, 37322672, Invitae Internal evidence SCV001403886.5, Blueprint Genetics internal evidence SCV001240918.1). The variant has been reported to segregate with retinal dystrophy in 1 affected family member from 1 family (PP1; PMID: 25133751). Of note, hearing loss was not reported in any of these individuals, indicating that this variant is likely causative for isolated retinal dystrophy and not Usher syndrome. In summary, this variant meets the criteria to be classified as Likely Pathogenic for autosomal recessive inherited retinal dystrophy based on the ACMG/AMP criteria applied, as specified by the ClinGen Hearing Loss VCEP: PP3, PM3_Strong, PP1. (Hearing loss VCEP specifications version 2; 05.15.2024).

PreventionGenetics, part of Exact Sciences
Classification: Likely pathogenic for USH2A-related condition. Last evaluated: 2026-08-31. Review status: criteria provided, single submitter. Criteria: ACMG Guidelines, 2015. Collection method: clinical testing. Allele origin: germline. Not counted in ClinVar's aggregate classification.
Comment: The USH2A c.12874A>G variant is predicted to result in the amino acid substitution p.Asn4292Asp. This variant has been reported in individuals with USH2A-related retinal disease (see for example: Watson et al. 2014. PubMed ID: 25133751; Table S2, Carss et al. 2016. PubMed ID: 28041643; Supplementary table 2, Turro et al. 2020. PubMed ID: 32581362; Table S1, Lin et al. 2024. PubMed ID: 38219857; Table S4, Panneman et al. 2023. PubMed ID: 36819107). This variant has been classified as likely pathogenic by the ClinGen Hearing Loss Variant Curation Expert Panel (ID: 48409). This variant is reported in 0.023% of alleles in individuals of South Asian descent in gnomAD. This variant is classified as likely pathogenic.

Natera, Inc.
Classification: Likely pathogenic for Usher syndrome type 2A. Last evaluated: 2025-12-11. Review status: criteria provided, single submitter. Criteria: Natera Variant Classification Schema (03/2026). Collection method: clinical testing. Allele origin: germline. Not counted in ClinVar's aggregate classification.
Comment: The c.12874A>G variant in USH2A is a missense variant predicted to cause substitution of asparagine to aspartic acid at amino acid 4292. This variant is rare in the general population with a frequency below the threshold expected for the associated phenotype(s). This variant has been observed in one or more individuals affected with the associated recessive disease, as either homozygous or compound heterozygous with a second variant (PMID: 36819107, 25133751, 36011334, 37322672, 38219857). Additionally, this variant has been observed to segregate in affected family members (PMID: 25133751). This variant has been identified in one or more affected individuals with a phenotype highly consistent with the associated gene (PMID:36011334). Computational prediction algorithms indicate this variant is likely to affect gene or protein function. Given the available evidence, this variant is classified as Likely Pathogenic.

3billion
Classification: Likely pathogenic for Retinitis pigmentosa 39. Last evaluated: 2025-09-25. Review status: criteria provided, single submitter. Criteria: ACMG Guidelines, 2015. Collection method: clinical testing. Allele origin: germline. Affected: yes. Not counted in ClinVar's aggregate classification.
Comment: The variant is observed at an extremely low frequency in the gnomAD v4.1.0 dataset (total allele frequency: 0.001%). Predicted Consequence/Location: Missense variant In silico tool predictions suggest damaging effect of the variant on gene or gene product [REVEL: 0.71 (>=0.6, sensitivity 0.68 and specificity 0.92)]. The same nucleotide change resulting in the same amino acid change has been previously reported as pathogenic/likely pathogenic with strong evidence (ClinVar ID: VCV000048409 /PMID: 25133751). The variant has been reported to be in trans with a pathogenic variant as either compound heterozygous or homozygous in at least one similarly affected unrelated individual (PMID: 25133751). Therefore, this variant is classified as Likely pathogenic according to the recommendation of ACMG/AMP guideline.

Myriad Genetics, Inc.
Classification: Likely pathogenic for USH2A-related disorder. Last evaluated: 2025-05-12. Review status: criteria provided, single submitter. Criteria: Myriad Autosomal Dominant, Autosomal Recessive and X-Linked Classification Criteria (2023). Collection method: clinical testing. Allele origin: unknown. Not counted in ClinVar's aggregate classification.
Comment: NM_206933.2(USH2A):c.12874A>G(N4292D) is a missense variant classified as likely pathogenic in the context of USH2A-related disorders. N4292D has been observed in cases with relevant disease (PMID: 25133751, 28041643, 32581362, 36011334, 36819107, 37322672). Relevant functional assessments of this variant are not available in the literature. N4292D has been observed in referenced population frequency databases. In summary, NM_206933.2(USH2A):c.12874A>G(N4292D) is a missense variant that has been observed more frequently in cases with the relevant disease than in healthy populations. Please note: this variant was assessed in the context of healthy population screening.

Blueprint Genetics
Classification: Pathogenic for USH2A-related disorders. Last evaluated: 2024-11-04. Review status: criteria provided, single submitter. Criteria: ACMG Guidelines, 2015. Collection method: clinical testing. Allele origin: germline. Affected: yes. Observed: 5 variant alleles. Not counted in ClinVar's aggregate classification.

Fulgent Genetics
Classification: Likely pathogenic for Usher syndrome type 2A; Retinitis pigmentosa 39. Last evaluated: 2024-06-23. Review status: criteria provided, single submitter. Criteria: ACMG Guidelines, 2015. Collection method: clinical testing. Allele origin: germline. Not counted in ClinVar's aggregate classification.

Labcorp Genetics (formerly Invitae), Labcorp
Classification: Pathogenic. Last evaluated: 2024-02-13. Review status: criteria provided, single submitter. Criteria: Invitae Variant Classification Sherloc (09022015). Collection method: clinical testing. Allele origin: germline. Not counted in ClinVar's aggregate classification.
Comment: This sequence change replaces asparagine, which is neutral and polar, with aspartic acid, which is acidic and polar, at codon 4292 of the USH2A protein (p.Asn4292Asp). This variant is present in population databases (rs397517984, gnomAD 0.02%). This missense change has been observed in individual(s) with retinitis pigmentosa (PMID: 25133751, 28041643; Invitae). In at least one individual the data is consistent with being in trans (on the opposite chromosome) from a pathogenic variant. ClinVar contains an entry for this variant (Variation ID: 48409). Advanced modeling of protein sequence and biophysical properties (such as structural, functional, and spatial information, amino acid conservation, physicochemical variation, residue mobility, and thermodynamic stability) has been performed at Invitae for this missense variant, however the output from this modeling did not meet the statistical confidence thresholds required to predict the impact of this variant on USH2A protein function. For these reasons, this variant has been classified as Pathogenic.

Baylor Genetics
Classification: Likely pathogenic for Retinitis pigmentosa 39. Last evaluated: 2024-01-23. Review status: criteria provided, single submitter. Criteria: ACMG Guidelines, 2015. Collection method: clinical testing. Allele origin: unknown. Not counted in ClinVar's aggregate classification.

GeneDx
Classification: Uncertain significance. Last evaluated: 2020-10-08. Review status: criteria provided, single submitter. Criteria: GeneDx Variant Classification Process June 2021. Collection method: clinical testing. Allele origin: germline. Affected: yes. Not counted in ClinVar's aggregate classification.
Comment: Observed phase unknown with a second USH2A variant in a patient with retinitis pigmentosa in published literature (Carss et al., 2017); In silico analysis supports that this missense variant has a deleterious effect on protein structure/function; Reported in ClinVar as a variant of uncertain significance by the ClinGen Hearing Loss Expert Panel (SCV001428433.1; Landrum et al., 2016); This variant is associated with the following publications: (PMID: 28041643, 25133751, 32637036, 32581362)

Laboratory for Molecular Medicine, Mass General Brigham Personalized Medicine
Classification: Uncertain significance. Last evaluated: 2012-01-16. Review status: criteria provided, single submitter. Criteria: LMM Criteria. Collection method: clinical testing. Allele origin: germline. Observed: 1 variant allele. Not counted in ClinVar's aggregate classification.
Comment: The Asn4292Asp variant in USH2A has not been reported in the literature nor prev iously identified by our laboratory. Computational analyses (biochemical amino a cid properties, homology, PolyPhen2, SIFT, AlignGVGD) do not provide strong supp ort for or against pathogenicity.

NIHR Bioresource Rare Diseases, University of Cambridge
Classification: Likely pathogenic for Retinitis pigmentosa. Last evaluated: 2015-01-01. Review status: no assertion criteria provided. Collection method: research. Allele origin: unknown. Affected: yes. Observed: 1 variant allele. Not counted in ClinVar's aggregate classification.

Literature cited by the submitters: PubMed 36819107 (cited by Natera, Inc. and Myriad Genetics, Inc.); PubMed 25133751 (cited by 5 submitters); PubMed 36011334 (cited by Natera, Inc. and Myriad Genetics, Inc.); PubMed 37322672 (cited by Natera, Inc. and Myriad Genetics, Inc.); PubMed 38219857 (cited by Natera, Inc.); PubMed 28041643 (cited by 3 submitters); PubMed 32581362 (cited by Myriad Genetics, Inc.).

NM_206933.4(USH2A):c.12874A>G (p.Asn4292Asp)

Gene: USH2A (usherin; minus strand). Cytogenetic location: 1q41.
Variant type: single nucleotide variant.
Coding change: c.12874A>G on transcript NM_206933.4 (MANE Select); coding-DNA position 12874, A replaced by G.
Protein change: p.Asn4292Asp; replaces asparagine 4292 with aspartic acid.
Molecular consequence: missense variant.
Genome position (GRCh38, 1-based): chr1:215,675,037, T>C on the plus strand (A>G on the coding strand, the complement: USH2A is on the minus strand). VCF-style: chr1-215675037-T-C. GRCh37 (hg19) VCF-style: chr1-215848379-T-C.
Other names: short protein forms N4292D.
Identifiers: ClinVar variation 48409 (VCV000048409.33), dbSNP rs397517984, ClinGen allele CA143304.